The following is an entry in ClinVar:

NM_016026.4(RDH11):c.747G>A (p.Met249Ile)

Genes: GPHN (gephyrin; plus strand), RDH11 (retinol dehydrogenase 11; minus strand). Cytogenetic location: 14q24.1.
Variant type: single nucleotide variant.
Coding change: c.747G>A on transcript NM_016026.4 (MANE Select); coding-DNA position 747, G replaced by A.
Protein change: p.Met249Ile; replaces methionine 249 with isoleucine.
Molecular consequence: missense variant.
Genome position (GRCh38, 1-based): chr14:67,685,122, C>T on the plus strand (G>A on the coding strand, the complement: RDH11 is on the minus strand). VCF-style: chr14-67685122-C-T. GRCh37 (hg19) VCF-style: chr14-68151839-C-T.
Other names: c.537G>A, p.Met179Ile (NM_001252650.2); short protein forms M179I, M249I.
Identifiers: ClinVar variation 961974 (VCV000961974.5), dbSNP rs201737061, ClinGen allele CA7238300.

ClinVar aggregate classification (germline): Uncertain significance. Review status: criteria provided, multiple submitters, no conflicts (2 of 4 stars). 2 submissions from 2 submitters: Uncertain significance (2). Last evaluated 2022-10-25.

Allele frequency attached by ClinVar (database versions not stated): gnomAD 0.00003; TOPMed 0.00003; gnomAD exomes 0.00004 and 0.00009; ExAC 0.00005.
gnomAD v4.1: 66 of 1,614,068 alleles (0.0041%); highest among the groups gnomAD compares: Middle Eastern, 0.049%; no homozygotes.

Submissions (2):

Ambry Genetics
Classification: Uncertain significance. Last evaluated: 2022-10-25. Review status: criteria provided, single submitter. Criteria: Ambry Variant Classification Scheme 2023. Collection method: clinical testing. Allele origin: germline.

Labcorp Genetics (formerly Invitae), Labcorp
Classification: Uncertain significance. Last evaluated: 2022-07-19. Review status: criteria provided, single submitter. Criteria: Invitae Variant Classification Sherloc (09022015). Collection method: clinical testing. Allele origin: germline.
Comment: This sequence change replaces methionine, which is neutral and non-polar, with isoleucine, which is neutral and non-polar, at codon 249 of the RDH11 protein (p.Met249Ile). This variant is present in population databases (rs201737061, gnomAD 0.1%). This variant has not been reported in the literature in individuals affected with RDH11-related conditions. ClinVar contains an entry for this variant (Variation ID: 961974). Algorithms developed to predict the effect of missense changes on protein structure and function output the following: SIFT: "Tolerated"; PolyPhen-2: "Benign"; Align-GVGD: "Class C0". The isoleucine amino acid residue is found in multiple mammalian species, which suggests that this missense change does not adversely affect protein function. In summary, the available evidence is currently insufficient to determine the role of this variant in disease. Therefore, it has been classified as a Variant of Uncertain Significance.